The following is an entry in ClinVar:

NM_000890.5(KCNJ5):c.88C>T (p.Arg30Cys)

Gene: KCNJ5 (potassium inwardly rectifying channel subfamily J member 5; plus strand). Cytogenetic location: 11q24.3.
Variant type: single nucleotide variant.
Coding change: c.88C>T on transcript NM_000890.5 (MANE Select); coding-DNA position 88, C replaced by T.
Protein change: p.Arg30Cys; replaces arginine 30 with cysteine.
Molecular consequence: missense variant.
Genome position (GRCh38, 1-based): chr11:128,911,361, C>T. VCF-style: chr11-128911361-C-T. GRCh37 (hg19) VCF-style: chr11-128781256-C-T.
Other names: c.88C>T, p.Arg30Cys (NM_001354169.2); short protein forms R30C.
Identifiers: ClinVar variation 3599190 (VCV003599190.2).

ClinVar aggregate classification (germline): Uncertain significance. Review status: criteria provided, multiple submitters, no conflicts (2 of 4 stars). 2 submissions from 2 submitters: Uncertain significance (2). Last evaluated 2025-12-21.

Conditions:
Familial hyperaldosteronism type III. Also called: Familial hyperaldosteronism type 3; FH III. Identifiers: Orphanet 251274, MedGen C3838758, MONDO:0013359, OMIM 613677.
Long QT syndrome 13 (LQT13). Identifiers: Orphanet 101016, Orphanet 768, MedGen C3150733, MONDO:0013279, OMIM 613485.
Long QT syndrome (LQTS). Identifiers: MedGen C0023976, MeSH D008133, MONDO:0002442. Disease mechanism: loss of function. Inheritance: Various modes of inheritance.

gnomAD v4.1: 7 of 1,614,190 alleles (0.00043%); highest among the groups gnomAD compares: Non-Finnish European, 0.00059%; no homozygotes.

Submissions (2):

Labcorp Genetics (formerly Invitae), Labcorp
Classification: Uncertain significance for Long QT syndrome. Last evaluated: 2025-12-21. Review status: criteria provided, single submitter. Criteria: Invitae Variant Classification Sherloc (09022015). Collection method: clinical testing. Allele origin: germline.
Comment: This sequence change replaces arginine, which is basic and polar, with cysteine, which is neutral and slightly polar, at codon 30 of the KCNJ5 protein (p.Arg30Cys). This variant is not present in population databases (gnomAD no frequency). This variant has not been reported in the literature in individuals affected with KCNJ5-related conditions. ClinVar contains an entry for this variant (Variation ID: 3599190). An algorithm developed to predict the effect of missense changes on protein structure and function (PolyPhen-2) suggests that this variant is likely to be disruptive. In summary, the available evidence is currently insufficient to determine the role of this variant in disease. Therefore, it has been classified as a Variant of Uncertain Significance.

Fulgent Genetics
Classification: Uncertain significance for Long QT syndrome 13; Familial hyperaldosteronism type III. Last evaluated: 2024-04-23. Review status: criteria provided, single submitter. Criteria: ACMG Guidelines, 2015. Collection method: clinical testing. Allele origin: germline.